The following is an entry in ClinVar:

ClinVar aggregate classification (germline): Uncertain significance (1 of 4 stars; one submission).

Submission:

Labcorp Genetics (formerly Invitae), Labcorp
Classification: Uncertain significance. Last evaluated: 2019-02-05. Review status: criteria provided, single submitter. Criteria: Invitae Variant Classification Sherloc (09022015). Collection method: clinical testing. Allele origin: germline.
Comment: This sequence change replaces glutamine with histidine at codon 309 of the MSH3 protein (p.Gln309His). The glutamine residue is highly conserved and there is a small physicochemical difference between glutamine and histidine. This variant is not present in population databases (ExAC no frequency). This variant has not been reported in the literature in individuals with MSH3-related conditions. Algorithms developed to predict the effect of missense changes on protein structure and function are either unavailable or do not agree on the potential impact of this missense change (SIFT: "Deleterious"; PolyPhen-2: "Probably Damaging"; Align-GVGD: "Class C15"). In summary, the available evidence is currently insufficient to determine the role of this variant in disease. Therefore, it has been classified as a Variant of Uncertain Significance.

NM_002439.5(MSH3):c.927A>C (p.Gln309His)

Genes: MSH3 (mutS homolog 3; plus strand), LOC126807437 (MED14-independent group 3 enhancer GRCh37_chr5:79968379-79969578; plus strand). Cytogenetic location: 5q14.1.
Variant type: single nucleotide variant.
Coding change: c.927A>C on transcript NM_002439.5 (MANE Select); coding-DNA position 927, A replaced by C.
Protein change: p.Gln309His; replaces glutamine 309 with histidine.
Molecular consequence: missense variant.
Genome position (GRCh38, 1-based): chr5:80,672,758, A>C. VCF-style: chr5-80672758-A-C. GRCh37 (hg19) VCF-style: chr5-79968577-A-C.
Other names: short protein forms Q309H.
Identifiers: ClinVar variation 846737 (VCV000846737.10), dbSNP rs1749751755, ClinGen allele CA360267350.